The following is an entry in ClinVar:

ClinVar aggregate classification (germline): Uncertain significance (1 of 4 stars; one submission).

Conditions:
Smith-Magenis syndrome (SMS). Also called: CHROMOSOME 17p11.2 DELETION SYNDROME. Identifiers: Orphanet 819, MedGen C0795864, MONDO:0008434, OMIM 182290.

Submission:

Centre for Mendelian Genomics, University Medical Centre Ljubljana
Classification: Uncertain significance for Smith-Magenis syndrome. Last evaluated: 2016-01-01. Review status: criteria provided, single submitter. Criteria: ACMG Guidelines, 2015. Collection method: clinical testing. Allele origin: unknown. Affected: yes.
Comment: This variant was classified as: Uncertain significance.

NM_030665.4(RAI1):c.619A>T (p.Thr207Ser)

Gene: RAI1 (retinoic acid induced 1; plus strand). Cytogenetic location: 17p11.2.
Variant type: single nucleotide variant.
Coding change: c.619A>T on transcript NM_030665.4 (MANE Select); coding-DNA position 619, A replaced by T.
Protein change: p.Thr207Ser; replaces threonine 207 with serine.
Molecular consequence: missense variant.
Genome position (GRCh38, 1-based): chr17:17,793,567, A>T. VCF-style: chr17-17793567-A-T. GRCh37 (hg19) VCF-style: chr17-17696881-A-T.
Other names: short protein forms T207S.
Identifiers: ClinVar variation 930437 (VCV000930437.3), dbSNP rs1434136369, ClinGen allele CA398545856.